The following is an entry in ClinVar:

NM_001080453.3(INTS1):c.705G>T (p.Leu235=)

Gene: INTS1 (integrator complex subunit 1; minus strand). Cytogenetic location: 7p22.3.
Variant type: single nucleotide variant.
Coding change: c.705G>T on transcript NM_001080453.3 (MANE Select); coding-DNA position 705, G replaced by T.
Protein change: p.Leu235=; no amino-acid change (leucine 235 retained).
Molecular consequence: synonymous variant.
Genome position (GRCh38, 1-based): chr7:1,499,612, C>A on the plus strand (G>T on the coding strand, the complement: INTS1 is on the minus strand). VCF-style: chr7-1499612-C-A. GRCh37 (hg19) VCF-style: chr7-1539248-C-A.
Identifiers: ClinVar variation 2657219 (VCV002657219.24), dbSNP rs372143276, ClinGen allele CA4120663.

ClinVar aggregate classification (germline): Likely benign (1 of 4 stars; one submission).

Allele frequency attached by ClinVar (database versions not stated): ESP Exome Variant Server 0.00008.

Submission:

CeGaT Center for Human Genetics Tuebingen
Classification: Likely benign. Last evaluated: 2022-12-01. Review status: criteria provided, single submitter. Criteria: CeGaT Center For Human Genetics Tuebingen Variant Classification Criteria Version 2. Collection method: clinical testing. Allele origin: germline. Affected: yes. Observed: 1 variant allele.
Comment: INTS1: BP4, BP7